The following is an entry in ClinVar:

NM_014000.3(VCL):c.1841C>T (p.Thr614Met)

Gene: VCL (vinculin; plus strand). Cytogenetic location: 10q22.2.
Variant type: single nucleotide variant.
Coding change: c.1841C>T on transcript NM_014000.3 (MANE Select); coding-DNA position 1841, C replaced by T.
Protein change: p.Thr614Met; replaces threonine 614 with methionine.
Molecular consequence: missense variant.
Genome position (GRCh38, 1-based): chr10:74,097,301, C>T. VCF-style: chr10-74097301-C-T. GRCh37 (hg19) VCF-style: chr10-75857059-C-T.
Other names: c.1841C>T, p.Thr614Met (NM_003373.4); short protein forms T614M.
Identifiers: ClinVar variation 946080 (VCV000946080.19), dbSNP rs748140302, ClinGen allele CA5563092.

ClinVar aggregate classification (germline): Uncertain significance. Review status: criteria provided, multiple submitters, no conflicts (2 of 4 stars). 5 submissions from 5 submitters: Uncertain significance (5). Last evaluated 2025-09-26.

Conditions:
Cardiovascular phenotype. Identifiers: MedGen CN230736.
Dilated cardiomyopathy 1W (CMD1W). Identifiers: Orphanet 154, MedGen C1969639, MONDO:0012667, OMIM 611407.
VCL-related disorder. Also called: VCL-related condition.

Allele frequency attached by ClinVar (database versions not stated): TOPMed below 0.00001; ExAC 0.00001; gnomAD exomes 0.00002; gnomAD 0.00003.
gnomAD v4.1: 29 of 1,613,784 alleles (0.0018%); highest among the groups gnomAD compares: East Asian, 0.0045%; no homozygotes.

Submissions (5):

PreventionGenetics, part of Exact Sciences
Classification: Uncertain significance for VCL-related condition. Last evaluated: 2025-09-26. Review status: criteria provided, single submitter. Criteria: ACMG Guidelines, 2015. Collection method: clinical testing. Allele origin: germline.
Comment: The VCL c.1841C>T variant is predicted to result in the amino acid substitution p.Thr614Met. To our knowledge, this variant has not been reported in the literature. This variant is reported in 0.010% of alleles in individuals of East Asian descent in gnomAD and is interpreted as uncertain in ClinVar (Variation ID: 946080). At this time, the clinical significance of this variant is uncertain due to the absence of conclusive functional and genetic evidence.

Ambry Genetics
Classification: Uncertain significance for Cardiovascular phenotype. Last evaluated: 2025-06-06. Review status: criteria provided, single submitter. Criteria: Ambry Variant Classification Scheme 2023. Collection method: clinical testing. Allele origin: germline.
Comment: The p.T614M variant (also known as c.1841C>T), located in coding exon 13 of the VCL gene, results from a C to T substitution at nucleotide position 1841. The threonine at codon 614 is replaced by methionine, an amino acid with similar properties. This amino acid position is highly conserved in available vertebrate species. In addition, the in silico prediction for this alteration is inconclusive. Based on the available evidence, the clinical significance of this variant remains unclear.

Labcorp Genetics (formerly Invitae), Labcorp
Classification: Uncertain significance for Dilated cardiomyopathy 1W. Last evaluated: 2025-03-21. Review status: criteria provided, single submitter. Criteria: Invitae Variant Classification Sherloc (09022015). Collection method: clinical testing. Allele origin: germline.
Comment: This sequence change replaces threonine, which is neutral and polar, with methionine, which is neutral and non-polar, at codon 614 of the VCL protein (p.Thr614Met). This variant is present in population databases (rs748140302, gnomAD 0.01%). This variant has not been reported in the literature in individuals affected with VCL-related conditions. ClinVar contains an entry for this variant (Variation ID: 946080). An algorithm developed to predict the effect of missense changes on protein structure and function (PolyPhen-2) suggests that this variant is likely to be disruptive. In summary, the available evidence is currently insufficient to determine the role of this variant in disease. Therefore, it has been classified as a Variant of Uncertain Significance.

ARUP Laboratories, Molecular Genetics and Genomics, ARUP Laboratories
Classification: Uncertain significance. Last evaluated: 2020-06-25. Review status: criteria provided, single submitter. Criteria: ARUP Molecular Germline Variant Investigation Process. Collection method: clinical testing. Allele origin: germline.
Comment: The VCL c.1841C>T; p.Thr614Met variant (rs748140302), to our knowledge, is not reported in the medical literature or gene-specific databases. This variant is found on seven chromosomes (7/282632 alleles) in the Genome Aggregation Database. The threonine at codon 614 is highly conserved, but computational analyses (SIFT: tolerated, PolyPhen-2: damaging) predict conflicting effects of this variant on protein structure/function. Due to limited information, the clinical significance of the p.Thr614Met variant is uncertain at this time.

GeneDx
Classification: Uncertain significance. Last evaluated: 2019-10-15. Review status: criteria provided, single submitter. Criteria: GeneDx Variant Classification Process June 2021. Collection method: clinical testing. Allele origin: germline. Affected: yes.
Comment: Not observed at a significant frequency in large population cohorts (Lek et al., 2016); In silico analysis, which includes protein predictors and evolutionary conservation, supports that this variant does not alter protein structure/function; Has not been previously published as pathogenic or benign to our knowledge